The following is an entry in ClinVar:

ClinVar aggregate classification (germline): Uncertain significance (1 of 4 stars; one submission).

Conditions:
PLXNA4-related disorder. Also called: PLXNA4-related condition.

Submission:

PreventionGenetics, part of Exact Sciences
Classification: Uncertain significance for PLXNA4-related condition. Last evaluated: 2025-03-06. Review status: criteria provided, single submitter. Criteria: ACMG Guidelines, 2015. Collection method: clinical testing. Allele origin: germline.
Comment: The PLXNA4 c.182_186dup5 variant is predicted to result in a frameshift and premature protein termination (p.Ile63Aspfs*18). To our knowledge, this variant has not been reported in the literature or in a large population database (gnomAD), indicating this variant is rare. Currently the clinical significance of loss-of-function variants in PLXNA4 is uncertain. At this time, the clinical significance of this variant is uncertain due to the absence of conclusive functional and genetic evidence.

NM_020911.2(PLXNA4):c.182_186dup (p.Ile63fs)

Gene: PLXNA4 (plexin A4; minus strand). Cytogenetic location: 7q32.3.
Variant type: Duplication.
Coding change: c.182_186dup on transcript NM_020911.2 (MANE Select); coding-DNA positions 182 to 186, 5 bases duplicated (GACAC; older notation c.182_186dupGACAC).
Protein change: p.Ile63fs; shifts the reading frame from isoleucine 63.
Molecular consequence: frameshift variant.
Genome position (GRCh38, 1-based): chr7:132,508,508-132,508,512, GTGTC duplicated on the plus strand (GACAC on the coding strand, the reverse complement: PLXNA4 is on the minus strand). VCF-style (leftmost placement, unchanged base first): chr7-132508507-T-TGTGTC. GRCh37 (hg19) VCF-style: chr7-132193266-T-TGTGTC.
Other names: c.182_186dup, p.Ile63fs (NM_001105543.2, NM_001393897.1, NM_181775.4); short protein forms I63fs.
Identifiers: ClinVar variation 4989108 (VCV004989108.1).
Genomic context (GRCh38, chr7:132,508,507, plus strand): 5'-TCACCAAGACCTTCAGGTCGCTGGAGAGCTTGTAAATCCGATTGACGGCCCCCAAGTAAA[T>TGTGTC]GTGTCCTGTCCTCTCATCCACCACCAGGTGATTGAAACCCTCGGCGGGCTCTCCTCGGAA-3'